The following is an entry in ClinVar:

ClinVar aggregate classification (germline): Uncertain significance. Review status: criteria provided, multiple submitters, no conflicts (2 of 4 stars). 2 submissions from 2 submitters: Uncertain significance (2). Last evaluated 2024-09-18.

Conditions:
T-cell immunodeficiency, congenital alopecia, and nail dystrophy. Also called: Congenital alopecia and nail dystrophy associated with severe functional T-cell immunodeficiency; Pignata Guarino syndrome. Identifiers: Orphanet 169095, MedGen C1866426, MONDO:0011132, OMIM 601705.

Allele frequency attached by ClinVar (database versions not stated): gnomAD 0.00001; gnomAD exomes 0.00001; TOPMed 0.00002.
gnomAD v4.1: 13 of 1,613,632 alleles (0.00081%); highest among the groups gnomAD compares: South Asian, 0.0022%; no homozygotes.

Submissions (2):

Labcorp Genetics (formerly Invitae), Labcorp
Classification: Uncertain significance for T-cell immunodeficiency, congenital alopecia, and nail dystrophy. Last evaluated: 2024-09-18. Review status: criteria provided, single submitter. Criteria: Invitae Variant Classification Sherloc (09022015). Collection method: clinical testing. Allele origin: germline.
Comment: This sequence change replaces isoleucine, which is neutral and non-polar, with threonine, which is neutral and polar, at codon 369 of the FOXN1 protein (p.Ile369Thr). This variant is present in population databases (no rsID available, gnomAD 0.003%). This variant has not been reported in the literature in individuals affected with FOXN1-related conditions. ClinVar contains an entry for this variant (Variation ID: 1696229). Invitae Evidence Modeling of protein sequence and biophysical properties (such as structural, functional, and spatial information, amino acid conservation, physicochemical variation, residue mobility, and thermodynamic stability) indicates that this missense variant is not expected to disrupt FOXN1 protein function with a negative predictive value of 80%. In summary, the available evidence is currently insufficient to determine the role of this variant in disease. Therefore, it has been classified as a Variant of Uncertain Significance.

Women's Health and Genetics/Laboratory Corporation of America, LabCorp
Classification: Uncertain significance. Last evaluated: 2022-05-03. Review status: criteria provided, single submitter. Criteria: LabCorp Variant Classification Summary - May 2015. Collection method: clinical testing. Allele origin: germline.

NM_001369369.1(FOXN1):c.1106T>C (p.Ile369Thr)

Gene: FOXN1 (forkhead box N1; plus strand). Cytogenetic location: 17q11.2.
Variant type: single nucleotide variant.
Coding change: c.1106T>C on transcript NM_001369369.1 (MANE Select); coding-DNA position 1106, T replaced by C.
Protein change: p.Ile369Thr; replaces isoleucine 369 with threonine.
Molecular consequence: missense variant.
Genome position (GRCh38, 1-based): chr17:28,534,509, T>C. VCF-style: chr17-28534509-T-C. GRCh37 (hg19) VCF-style: chr17-26861527-T-C.
Other names: c.1106T>C, p.Ile369Thr (NM_003593.3); short protein forms I369T.
Identifiers: ClinVar variation 1696229 (VCV001696229.3), dbSNP rs867638414, ClinGen allele CA289120030.